The following is an entry in ClinVar:

NM_020778.5(ALPK3):c.817G>T (p.Glu273Ter)

Gene: ALPK3 (alpha kinase 3; plus strand). Cytogenetic location: 15q25.3.
Variant type: single nucleotide variant.
Coding change: c.817G>T on transcript NM_020778.5 (MANE Select); coding-DNA position 817, G replaced by T.
Protein change: p.Glu273Ter; replaces glutamic acid 273 with a stop codon.
Molecular consequence: nonsense.
Genome position (GRCh38, 1-based): chr15:84,840,096, G>T. VCF-style: chr15-84840096-G-T. GRCh37 (hg19) VCF-style: chr15-85383327-G-T.
Other names: short protein forms E273*.
Identifiers: ClinVar variation 3647154 (VCV003647154.2).

ClinVar aggregate classification (germline): Pathogenic (1 of 4 stars; one submission).

Submission:

Labcorp Genetics (formerly Invitae), Labcorp
Classification: Pathogenic. Last evaluated: 2024-03-21. Review status: criteria provided, single submitter. Criteria: Invitae Variant Classification Sherloc (09022015). Collection method: clinical testing. Allele origin: germline.
Comment: This sequence change creates a premature translational stop signal (p.Glu475*) in the ALPK3 gene. It is expected to result in an absent or disrupted protein product. Loss-of-function variants in ALPK3 are known to be pathogenic (PMID: 21441111, 26846950, 27106955, 34263907). This variant is not present in population databases (gnomAD no frequency). This variant has not been reported in the literature in individuals affected with ALPK3-related conditions. For these reasons, this variant has been classified as Pathogenic.

Literature cited by the submitters: PubMed 21441111; PubMed 26846950; PubMed 27106955; PubMed 34263907.